The following is an entry in ClinVar:

ClinVar aggregate classification (germline): Likely benign. Review status: criteria provided, multiple submitters, no conflicts (2 of 4 stars). 3 submissions from 3 submitters: Likely benign (2). 1 of the submissions does not count toward it. Last evaluated 2025-04-22.

Conditions:
DNAH1-related disorder. Also called: DNAH1-related condition.
Spermatogenic failure 18. Identifiers: MedGen C4539783, MONDO:0054615, OMIM 617576.
Ciliary dyskinesia, primary, 37 (CILD37). Also called: CILIARY DYSKINESIA, PRIMARY, 37, WITH OR WITHOUT SITUS INVERSUS. Identifiers: MedGen C4539798, MONDO:0033204, OMIM 617577.

Allele frequency attached by ClinVar (database versions not stated): gnomAD exomes 0.00001; TOPMed 0.00002; gnomAD 0.00003.
gnomAD v4.1: 10 of 1,551,828 alleles (0.00064%); highest among the groups gnomAD compares: African/African-American, 0.0027%; no homozygotes.

Submissions (3):

Labcorp Genetics (formerly Invitae), Labcorp
Classification: Likely benign for Ciliary dyskinesia, primary, 37; Spermatogenic failure 18. Last evaluated: 2025-04-22. Review status: criteria provided, single submitter. Criteria: Invitae Variant Classification Sherloc (09022015). Collection method: clinical testing. Allele origin: germline.

Blueprint Genetics
Classification: Likely benign. Last evaluated: 2023-12-22. Review status: criteria provided, single submitter. Criteria: ACMG Guidelines, 2015. Collection method: clinical testing. Allele origin: germline.

PreventionGenetics, part of Exact Sciences
Classification: Likely benign for DNAH1-related condition. Last evaluated: 2019-04-09. Review status: no assertion criteria provided. Collection method: clinical testing. Allele origin: germline. Not counted in ClinVar's aggregate classification.
Comment: This variant is classified as likely benign based on ACMG/AMP sequence variant interpretation guidelines (Richards et al. 2015 PMID: 25741868, with internal and published modifications).

NM_015512.5(DNAH1):c.8607C>T (p.Leu2869=)

Gene: DNAH1 (dynein axonemal heavy chain 1; plus strand). Cytogenetic location: 3p21.1.
Variant type: single nucleotide variant.
Coding change: c.8607C>T on transcript NM_015512.5 (MANE Select); coding-DNA position 8607, C replaced by T.
Protein change: p.Leu2869=; no amino-acid change (leucine 2869 retained).
Molecular consequence: synonymous variant.
Genome position (GRCh38, 1-based): chr3:52,385,429, C>T. VCF-style: chr3-52385429-C-T. GRCh37 (hg19) VCF-style: chr3-52419445-C-T.
Identifiers: ClinVar variation 784801 (VCV000784801.12), dbSNP rs1220539629, ClinGen allele CA433769663.